The following is an entry in ClinVar:

ClinVar aggregate classification (germline): Uncertain significance (1 of 4 stars; one submission).

Conditions:
Spinocerebellar ataxia type 13 (SCA13). Also called: Spinocerebellar Ataxia Type13. Identifiers: Orphanet 98768, MedGen C1854488, MONDO:0011529, OMIM 605259.

Submission:

Juno Genomics, Hangzhou Juno Genomics, Inc
Classification: Uncertain significance for Spinocerebellar ataxia type 13. Review status: criteria provided, single submitter. Criteria: ACMG Guidelines, 2015. Collection method: clinical testing. Allele origin: germline. Affected: yes.
Comment: Absent from controls (or at extremely low frequency if recessive) in Genome Aggregation Database.;De novo (both maternity and paternity confirmed) in a patient with the disease and no family history.;Patient's phenotype or family history is highly specific for a disease with a single genetic etiology.

NM_004977.3(KCNC3):c.601T>C (p.Ser201Pro)

Gene: KCNC3 (potassium voltage-gated channel subfamily C member 3; minus strand). Cytogenetic location: 19q13.33.
Variant type: single nucleotide variant.
Coding change: c.601T>C on transcript NM_004977.3 (MANE Select); coding-DNA position 601, T replaced by C.
Protein change: p.Ser201Pro; replaces serine 201 with proline.
Molecular consequence: missense variant.
Genome position (GRCh38, 1-based): chr19:50,328,482, A>G on the plus strand (T>C on the coding strand, the complement: KCNC3 is on the minus strand). VCF-style: chr19-50328482-A-G. GRCh37 (hg19) VCF-style: chr19-50831739-A-G.
Other names: c.373T>C, p.Ser125Pro (NM_001372305.1); short protein forms S125P, S201P.
Identifiers: ClinVar variation 5020005 (VCV005020005.1).